The following is an entry in ClinVar:

NM_000179.3(MSH6):c.3646+19C>T

Gene: MSH6 (mutS homolog 6; plus strand). Cytogenetic location: 2p16.3.
Variant type: single nucleotide variant.
Coding change: c.3646+19C>T on transcript NM_000179.3 (MANE Select); 19 bases into the intron after coding-DNA position 3646, C replaced by T.
Molecular consequence: intron variant.
Genome position (GRCh38, 1-based): chr2:47,805,726, C>T. VCF-style: chr2-47805726-C-T. GRCh37 (hg19) VCF-style: chr2-48032865-C-T.
Other names: c.2740+19C>T (NM_001281493.2, NM_001281494.2); c.3256+19C>T (NM_001281492.2).
Identifiers: ClinVar variation 382212 (VCV000382212.4), dbSNP rs370746787, ClinGen allele CA071575.
Genomic context (GRCh38, chr2:47,805,726, plus strand): 5'-TGCATGCAACAGCACATTCTCTGGTGCTTGTGGATGAATTAGGTAAGACATTAAACTTCT[C>T]ATTTGAAGACTATCTATCTTAAAAACATTTGTACAAATAACTATTTTTATAGAAGATTAT-3'

ClinVar aggregate classification (germline): Likely benign. Review status: criteria provided, multiple submitters, no conflicts (2 of 4 stars). 3 submissions from 3 submitters: Likely benign (3). Last evaluated 2023-09-07.

Conditions:
Hereditary cancer-predisposing syndrome. Also called: Tumor predisposition; Neoplastic Syndromes, Hereditary; Hereditary neoplastic syndrome; Hereditary Cancer Syndrome. Identifiers: Orphanet 140162, MedGen C0027672, MeSH D009386, MONDO:0015356.

Allele frequency attached by ClinVar (database versions not stated): gnomAD exomes 0.00001; TOPMed 0.00002; ESP Exome Variant Server 0.00008.
gnomAD v4.1: 14 of 1,436,032 alleles (0.00097%); highest among the groups gnomAD compares: Admixed American, 0.0018%; no homozygotes.

Submissions (3):

Blueprint Genetics
Classification: Likely benign. Last evaluated: 2023-09-07. Review status: criteria provided, single submitter. Criteria: ACMG Guidelines, 2015. Collection method: clinical testing. Allele origin: germline.

GeneDx
Classification: Likely benign. Last evaluated: 2017-07-02. Review status: criteria provided, single submitter. Criteria: GeneDx Variant Classification (06012015). Collection method: clinical testing. Allele origin: germline. Affected: yes.
Comment: This variant is considered likely benign or benign based on one or more of the following criteria: it is a conservative change, it occurs at a poorly conserved position in the protein, it is predicted to be benign by multiple in silico algorithms, and/or has population frequency not consistent with disease.

Color Diagnostics, LLC DBA Color Health
Classification: Likely benign for Hereditary cancer-predisposing syndrome. Last evaluated: 2017-06-12. Review status: criteria provided, single submitter. Criteria: ACMG Guidelines, 2015. Collection method: clinical testing. Allele origin: germline.